The following is an entry in ClinVar:

NM_004423.4(DVL3):c.354-6C>T

Gene: DVL3 (dishevelled segment polarity protein 3; plus strand). Cytogenetic location: 3q27.1.
Variant type: single nucleotide variant.
Coding change: c.354-6C>T on transcript NM_004423.4 (MANE Select); 6 bases into the intron before coding-DNA position 354, C replaced by T.
Molecular consequence: intron variant.
Genome position (GRCh38, 1-based): chr3:184,164,486, C>T. VCF-style: chr3-184164486-C-T. GRCh37 (hg19) VCF-style: chr3-183882274-C-T.
Identifiers: ClinVar variation 3041666 (VCV003041666.2), dbSNP rs1714494418, ClinGen allele CA1425892673.
Genomic context (GRCh38, chr3:184,164,486, plus strand): 5'-TCAGCCCAGGGCTGGGGGAGGGAGCCCCCAGCCTGCCCCCTCCCCCATCAAGTCTCTTCC[C>T]TGCAGCCCTCATGCTGGTGGGGGCAGCCAGGAGAACCTGGACAATGACACAGAGACGGAC-3'

ClinVar aggregate classification (germline): Likely benign (0 of 4 stars; one submission).

Conditions:
DVL3-related disorder. Also called: DVL3-related condition.

Allele frequency attached by ClinVar (database versions not stated): gnomAD exomes below 0.00001.
gnomAD v4.1: 4 of 1,599,898 alleles (0.00025%); highest among the groups gnomAD compares: Non-Finnish European, 0.00034%; no homozygotes.

Submission:

PreventionGenetics, part of Exact Sciences
Classification: Likely benign for DVL3-related condition. Last evaluated: 2019-05-14. Review status: no assertion criteria provided. Collection method: clinical testing. Allele origin: germline.
Comment: This variant is classified as likely benign based on ACMG/AMP sequence variant interpretation guidelines (Richards et al. 2015 PMID: 25741868, with internal and published modifications).